The following is an entry in ClinVar:

NM_145868.2(ANXA11):c.618C>T (p.Ala206=)

Gene: ANXA11 (annexin A11; minus strand). Cytogenetic location: 10q22.3.
Variant type: single nucleotide variant.
Coding change: c.618C>T on transcript NM_145868.2 (MANE Select); coding-DNA position 618, C replaced by T.
Protein change: p.Ala206=; no amino-acid change (alanine 206 retained).
Molecular consequence: synonymous variant.
Genome position (GRCh38, 1-based): chr10:80,167,257, G>A on the plus strand (C>T on the coding strand, the complement: ANXA11 is on the minus strand). VCF-style: chr10-80167257-G-A. GRCh37 (hg19) VCF-style: chr10-81927013-G-A.
Other names: p.Ala206=; c.618C>T, p.Ala206= (NM_001157.3, NM_001278407.2, NM_001278408.2 and 1 more transcripts); c.519C>T, p.Ala173= (NM_001278409.2); c.618C>T (NM_145869.1).
Identifiers: ClinVar variation 1544062 (VCV001544062.11), dbSNP rs111286624, ClinGen allele CA5576228.
Genomic context (GRCh38, chr10:80,167,257, plus strand): 5'-TAGGATTTGAGCCACCCAGGGTCTCTTACCGAAGCCTTTCATGGCCTTCCGCAGGACCTC[G>A]GCATCTCGCAGGGGGTCAAAGCCGGGAGCATCAGTGATGGTGCCTCGGCTTCCAAACTAC-3'
Protein context (NP_665875.1, residues 196-216): DAPGFDPLRD[Ala206=]EVLRKAMKGF

ClinVar aggregate classification (germline): Benign/Likely benign. Review status: criteria provided, multiple submitters, no conflicts (2 of 4 stars). 4 submissions from 4 submitters: Benign (2); Likely benign (1). 1 of the submissions does not count toward it. Last evaluated 2025-06-12.

Conditions:
ANXA11-related disorder. Also called: ANXA11-related condition.

Allele frequency attached by ClinVar (database versions not stated): gnomAD exomes 0.00007 and 0.00019; ExAC 0.00025; gnomAD 0.00063 and 0.00066; ESP Exome Variant Server 0.00115; 1000 Genomes Project 30x 0.00219; 1000 Genomes Project 0.00240.
gnomAD v4.1: 215 of 1,614,140 alleles (0.013%); highest among the groups gnomAD compares: African/African-American, 0.24%; 1 homozygote.

Submissions (4):

Labcorp Genetics (formerly Invitae), Labcorp
Classification: Benign. Last evaluated: 2025-06-12. Review status: criteria provided, single submitter. Criteria: Invitae Variant Classification Sherloc (09022015). Collection method: clinical testing. Allele origin: germline.

Mayo Clinic Laboratories, Mayo Clinic
Classification: Benign. Last evaluated: 2024-12-10. Review status: criteria provided, single submitter. Criteria: ACMG Guidelines, 2015. Collection method: clinical testing. Allele origin: germline. Observed: 1 variant allele.
Comment: BS1, BS2, BP4, BP7

Blueprint Genetics
Classification: Likely benign. Last evaluated: 2024-11-27. Review status: criteria provided, single submitter. Criteria: ACMG Guidelines, 2015. Collection method: clinical testing. Allele origin: germline.

PreventionGenetics, part of Exact Sciences
Classification: Likely benign for ANXA11-related condition. Last evaluated: 2024-06-30. Review status: no assertion criteria provided. Collection method: clinical testing. Allele origin: germline. Not counted in ClinVar's aggregate classification.
Comment: This variant is classified as likely benign based on ACMG/AMP sequence variant interpretation guidelines (Richards et al. 2015 PMID: 25741868, with internal and published modifications).